The following is an entry in ClinVar:

ClinVar aggregate classification (germline): Likely benign. Review status: criteria provided, multiple submitters, no conflicts (2 of 4 stars). 4 submissions from 4 submitters: Likely benign (3). 1 of the submissions does not count toward it. Last evaluated 2025-12-19.

Conditions:
SRCAP-related disorder. Also called: SRCAP-related condition.
Floating-Harbor syndrome (FLHS). Also called: SRCAP-Related Floating-Harbor Syndrome; Short stature with delayed bone age, expressive language delay, a triangular face with a prominent nose and deep-set eyes; Pelletier-Leisti syndrome. Identifiers: Orphanet 2044, MedGen C0729582, MONDO:0007621, OMIM 136140.
Developmental delay, hypotonia, musculoskeletal defects, and behavioral abnormalities. Identifiers: MedGen C5562012, MONDO:0859202, OMIM 619595.

Allele frequency attached by ClinVar (database versions not stated): gnomAD exomes 0.00014; ExAC 0.00017; gnomAD 0.00033 and 0.00034; TOPMed 0.00045; 1000 Genomes Project 30x 0.00047; 1000 Genomes Project 0.00060; ESP Exome Variant Server 0.00069.

Submissions (4):

Labcorp Genetics (formerly Invitae), Labcorp
Classification: Likely benign. Last evaluated: 2025-12-19. Review status: criteria provided, single submitter. Criteria: Invitae Variant Classification Sherloc (09022015). Collection method: clinical testing. Allele origin: germline.

Blueprint Genetics
Classification: Likely benign. Last evaluated: 2024-06-27. Review status: criteria provided, single submitter. Criteria: ACMG Guidelines, 2015. Collection method: clinical testing. Allele origin: germline.

Fulgent Genetics
Classification: Likely benign for Floating-Harbor syndrome; Developmental delay, hypotonia, musculoskeletal defects, and behavioral abnormalities. Last evaluated: 2021-08-04. Review status: criteria provided, single submitter. Criteria: ACMG Guidelines, 2015. Collection method: clinical testing. Allele origin: unknown.

PreventionGenetics, part of Exact Sciences
Classification: Likely benign for SRCAP-related condition. Last evaluated: 2023-08-21. Review status: no assertion criteria provided. Collection method: clinical testing. Allele origin: germline. Not counted in ClinVar's aggregate classification.
Comment: This variant is classified as likely benign based on ACMG/AMP sequence variant interpretation guidelines (Richards et al. 2015 PMID: 25741868, with internal and published modifications).

NM_006662.3(SRCAP):c.8515G>A (p.Gly2839Ser)

Gene: SRCAP (Snf2 related CREBBP activator protein; plus strand). Cytogenetic location: 16p11.2.
Variant type: single nucleotide variant.
Coding change: c.8515G>A on transcript NM_006662.3 (MANE Select); coding-DNA position 8515, G replaced by A.
Protein change: p.Gly2839Ser; replaces glycine 2839 with serine.
Molecular consequence: missense variant.
Genome position (GRCh38, 1-based): chr16:30,738,555, G>A. VCF-style: chr16-30738555-G-A. GRCh37 (hg19) VCF-style: chr16-30749876-G-A.
Other names: short protein forms G2839S.
Identifiers: ClinVar variation 318906 (VCV000318906.14), dbSNP rs139886717, ClinGen allele CA8012717.
Genomic context (GRCh38, chr16:30,738,555, plus strand): 5'-ACTCCACCCCAGCAGCCCTTCATTGCTCGCCGTCACATTGAGCTGGGGGTGACTGGTGGT[G>A]GCAGCCCCGAGAATGGAGACGGAGCACTGCTCGCCATCACCCCACCTGCTGTGAAACGTC-3'
Protein context (NP_006653.2, residues 2829-2849): RHIELGVTGG[Gly2839Ser]SPENGDGALL